The following is an entry in ClinVar:

ClinVar aggregate classification (germline): Pathogenic/Likely pathogenic. Review status: criteria provided, multiple submitters, no conflicts (2 of 4 stars). 4 submissions from 4 submitters: Pathogenic (3); Likely pathogenic (1). Last evaluated 2024-08-07.

Conditions:
Hereditary cancer-predisposing syndrome. Also called: Hereditary Cancer Syndrome; Neoplastic Syndromes, Hereditary; Tumor predisposition; Hereditary neoplastic syndrome. Identifiers: Orphanet 140162, MedGen C0027672, MeSH D009386, MONDO:0015356.
Peutz-Jeghers syndrome (PJS). Also called: POLYPS-AND-SPOTS SYNDROME; Peutz-Jeghers polyposis; Periorificial lentiginosis syndrome; POLYPOSIS, HAMARTOMATOUS INTESTINAL. Identifiers: Orphanet 2869, MedGen C0031269, MeSH D010580, MONDO:0008280, OMIM 175200.

Submissions (4):

Labcorp Genetics (formerly Invitae), Labcorp
Classification: Pathogenic for Peutz-Jeghers syndrome. Last evaluated: 2024-08-07. Review status: criteria provided, single submitter. Criteria: Invitae Variant Classification Sherloc (09022015). Collection method: clinical testing. Allele origin: germline.
Comment: This sequence change creates a premature translational stop signal (p.Glu57Glyfs*106) in the STK11 gene. It is expected to result in an absent or disrupted protein product. Loss-of-function variants in STK11 are known to be pathogenic (PMID: 15188174, 16287113). This variant is not present in population databases (gnomAD no frequency). This premature translational stop signal has been observed in individual(s) with Peutz-Jeghers syndrome (PMID: 9428765, 20435009). ClinVar contains an entry for this variant (Variation ID: 93096). For these reasons, this variant has been classified as Pathogenic.

Genome-Nilou Lab
Classification: Likely pathogenic for Peutz-Jeghers syndrome. Last evaluated: 2021-07-15. Review status: criteria provided, single submitter. Criteria: ACMG Guidelines, 2015. Collection method: clinical testing. Allele origin: germline. Affected: no.

Ambry Genetics
Classification: Pathogenic for Hereditary cancer-predisposing syndrome. Last evaluated: 2015-01-08. Review status: criteria provided, single submitter. Criteria: Ambry Variant Classification Scheme 2023. Collection method: clinical testing. Allele origin: germline.
Comment: The c.169dupG pathogenic mutation, located in coding exon 1 of the STK11 gene, results from a duplication of G at position 169, causing a translational frameshift with a predicted alternate stop codon. In one study, this mutation was reported in an individual suspected to have Peutz-Jeghers syndrome (PJS) (Hemminki A et al Nature. 1998 Jan 8;391(6663):184-7). In addition to the clinical data presented in the literature, since frameshifts are typically deleterious in nature, this alteration is interpreted as a disease-causing mutation (ACMG Recommendations for Standards for Interpretation and Reporting of Sequence Variations. Revision 2007. Genet Med. 2008;10:294).

Eurofins Ntd Llc (ga)
Classification: Pathogenic. Last evaluated: 2013-05-02. Review status: criteria provided, single submitter. Criteria: EGL Classification Definitions. Collection method: clinical testing. Allele origin: germline. Observed: 1 variant allele, 1 heterozygote.

Literature cited by the submitters: PubMed 15188174 (cited by Labcorp Genetics (formerly Invitae), Labcorp); PubMed 16287113 (cited by Labcorp Genetics (formerly Invitae), Labcorp); PubMed 9428765 (cited by Labcorp Genetics (formerly Invitae), Labcorp and Ambry Genetics); PubMed 20435009 (cited by Labcorp Genetics (formerly Invitae), Labcorp); PubMed 23757202 (cited by Eurofins Ntd Llc (ga)).

NM_000455.5(STK11):c.169dup (p.Glu57fs)

Gene: STK11 (serine/threonine kinase 11; plus strand). Cytogenetic location: 19p13.3.
Variant type: Duplication.
Coding change: c.169dup on transcript NM_000455.5 (MANE Select); coding-DNA position 169, one base duplicated (G; older notation c.169dupG).
Protein change: p.Glu57fs; shifts the reading frame from glutamic acid 57.
Molecular consequence: frameshift variant.
Genome position (GRCh38, 1-based): chr19:1,207,082, G duplicated; the last of 5 consecutive G bases (chr19:1,207,078-1,207,082); duplicating any one gives the same sequence. VCF-style (leftmost placement, unchanged base first): chr19-1207077-T-TG. GRCh37 (hg19) VCF-style: chr19-1207076-T-TG.
Other names: c.169dupG (NM_000455.4); short protein forms E57fs.
Identifiers: ClinVar variation 93096 (VCV000093096.16), dbSNP rs121913319, ClinGen allele CA022685.